The following is an entry in ClinVar:

NM_020911.2(PLXNA4):c.2635C>T (p.Arg879Ter)

Gene: PLXNA4 (plexin A4; minus strand). Cytogenetic location: 7q32.3.
Variant type: single nucleotide variant.
Coding change: c.2635C>T on transcript NM_020911.2 (MANE Select); coding-DNA position 2635, C replaced by T.
Protein change: p.Arg879Ter; replaces arginine 879 with a stop codon.
Molecular consequence: nonsense.
Genome position (GRCh38, 1-based): chr7:132,198,588, G>A on the plus strand (C>T on the coding strand, the complement: PLXNA4 is on the minus strand). VCF-style: chr7-132198588-G-A. GRCh37 (hg19) VCF-style: chr7-131883347-G-A.
Other names: c.2635C>T, p.Arg879Ter (NM_001393897.1); short protein forms R879*.
Identifiers: ClinVar variation 3350718 (VCV003350718.1).

ClinVar aggregate classification (germline): Uncertain significance (0 of 4 stars; one submission).

Conditions:
PLXNA4-related disorder. Also called: PLXNA4-related condition.

gnomAD v4.1: 1 of 1,614,236 alleles (0.000062%); highest among the groups gnomAD compares: Non-Finnish European, 0.000085%; no homozygotes.

Submission:

PreventionGenetics, part of Exact Sciences
Classification: Uncertain significance for PLXNA4-related condition. Last evaluated: 2024-09-16. Review status: no assertion criteria provided. Collection method: clinical testing. Allele origin: germline.
Comment: The PLXNA4 c.2635C>T variant is predicted to result in premature protein termination (p.Arg879*). To our knowledge, this variant has not been reported in the literature or in a large population database, indicating this variant is rare. At this time, the clinical significance of this variant is uncertain due to the absence of conclusive functional and genetic evidence.